The following is an entry in ClinVar:

ClinVar aggregate classification (germline): Likely benign (1 of 4 stars; one submission).

Allele frequency attached by ClinVar (database versions not stated): ESP Exome Variant Server 0.00009; gnomAD 0.00018; ExAC 0.00073; 1000 Genomes Project 30x 0.00125; 1000 Genomes Project 0.00159.
gnomAD v4.1: 363 of 1,202,963 alleles (0.03%); highest among the groups gnomAD compares: East Asian, 0.95%; 7 homozygotes.

Submission:

CeGaT Center for Human Genetics Tuebingen
Classification: Likely benign. Last evaluated: 2023-02-01. Review status: criteria provided, single submitter. Criteria: CeGaT Center For Human Genetics Tuebingen Variant Classification Criteria Version 2. Collection method: clinical testing. Allele origin: germline. Affected: yes. Observed: 1 variant allele.
Comment: CCDC22: BP4, BP7, BS2

NM_014008.5(CCDC22):c.1167G>A (p.Ala389=)

Gene: CCDC22 (CCC complex scaffolding subunit CCDC22; plus strand). Cytogenetic location: Xp11.23.
Variant type: single nucleotide variant.
Coding change: c.1167G>A on transcript NM_014008.5 (MANE Select); coding-DNA position 1167, G replaced by A.
Protein change: p.Ala389=; no amino-acid change (alanine 389 retained).
Molecular consequence: synonymous variant.
Genome position (GRCh38, 1-based): chrX:49,248,265, G>A. VCF-style: chrX-49248265-G-A. GRCh37 (hg19) VCF-style: chrX-49104726-G-A.
Identifiers: ClinVar variation 2660525 (VCV002660525.24), dbSNP rs72619041, ClinGen allele CA10411426.